The following is an entry in ClinVar:

ClinVar aggregate classification (germline): Likely benign. Review status: criteria provided, multiple submitters, no conflicts (2 of 4 stars). 2 submissions from 2 submitters: Likely benign (2). Last evaluated 2022-11-08.

Conditions:
Spastic ataxia 2. Also called: Ataxia, spastic, 2, autosomal recessive. Identifiers: Orphanet 397946, MedGen C1969796, MONDO:0012651, OMIM 611302.

Allele frequency attached by ClinVar (database versions not stated): TOPMed below 0.00001; gnomAD 0.00001.
gnomAD v4.1: 8 of 1,578,290 alleles (0.00051%); highest among the groups gnomAD compares: South Asian, 0.0011%; no homozygotes.

Submissions (2):

Labcorp Genetics (formerly Invitae), Labcorp
Classification: Likely benign for Spastic ataxia 2. Last evaluated: 2022-11-08. Review status: criteria provided, single submitter. Criteria: Invitae Variant Classification Sherloc (09022015). Collection method: clinical testing. Allele origin: germline.

GeneDx
Classification: Likely benign. Last evaluated: 2016-03-09. Review status: criteria provided, single submitter. Criteria: GeneDx Variant Classification (06012015). Collection method: clinical testing. Allele origin: germline. Affected: yes.
Comment: This variant is considered likely benign or benign based on one or more of the following criteria: it is a conservative change, it occurs at a poorly conserved position in the protein, it is predicted to be benign by multiple in silico algorithms, and/or has population frequency not consistent with disease.

NM_006612.6(KIF1C):c.720+17C>G

Gene: KIF1C (kinesin family member 1C; plus strand). Cytogenetic location: 17p13.2.
Variant type: single nucleotide variant.
Coding change: c.720+17C>G on transcript NM_006612.6 (MANE Select); 17 bases into the intron after coding-DNA position 720, C replaced by G.
Molecular consequence: intron variant.
Genome position (GRCh38, 1-based): chr17:5,002,859, C>G. VCF-style: chr17-5002859-C-G. GRCh37 (hg19) VCF-style: chr17-4906154-C-G.
Identifiers: ClinVar variation 384347 (VCV000384347.5), dbSNP rs753249003, ClinGen allele CA16607739.
Genomic context (GRCh38, chr17:5,002,859, plus strand): 5'-CACAGCGCTGCCATGACCAGCTCACGGGGCTGGACTCGGAGAAGGTGGGATCGCCCCCCC[C>G]CCCACTCCCCCACCGGATGCAACCTCCCCTGGCAACAGGGACAGTGACATGGTAGAAGGG-3'